The following is an entry in ClinVar:

ClinVar aggregate classification (germline): Uncertain significance (1 of 4 stars; one submission).

Conditions:
Hereditary cancer-predisposing syndrome. Also called: Tumor predisposition; Hereditary Cancer Syndrome; Neoplastic Syndromes, Hereditary; Hereditary neoplastic syndrome. Identifiers: Orphanet 140162, MedGen C0027672, MeSH D009386, MONDO:0015356.

Submission:

Ambry Genetics
Classification: Uncertain significance for Hereditary cancer-predisposing syndrome. Last evaluated: 2022-10-29. Review status: criteria provided, single submitter. Criteria: Ambry Variant Classification Scheme 2023. Collection method: clinical testing. Allele origin: germline.
Comment: The p.P869R variant (also known as c.2606C>G), located in coding exon 15 of the DICER1 gene, results from a C to G substitution at nucleotide position 2606. The proline at codon 869 is replaced by arginine, an amino acid with dissimilar properties. This amino acid position is conserved. In addition, this alteration is predicted to be deleterious by in silico analysis. Since supporting evidence is limited at this time, the clinical significance of this alteration remains unclear.

NM_177438.3(DICER1):c.2606C>G (p.Pro869Arg)

Gene: DICER1 (dicer 1, ribonuclease III; minus strand). Cytogenetic location: 14q32.13.
Variant type: single nucleotide variant.
Coding change: c.2606C>G on transcript NM_177438.3 (MANE Select); coding-DNA position 2606, C replaced by G.
Protein change: p.Pro869Arg; replaces proline 869 with arginine.
Molecular consequence: missense variant. On other transcripts: non-coding transcript variant (6).
Genome position (GRCh38, 1-based): chr14:95,107,924, G>C on the plus strand (C>G on the coding strand, the complement: DICER1 is on the minus strand). VCF-style: chr14-95107924-G-C. GRCh37 (hg19) VCF-style: chr14-95574261-G-C.
Other names: c.2606C>G, p.Pro869Arg (NM_001195573.1, NM_001271282.3, NM_001291628.2 and 13 more transcripts); c.2324C>G, p.Pro775Arg (NM_001395686.1); c.2201C>G, p.Pro734Arg (NM_001395687.1, NM_001395688.1, NM_001395689.1 and 2 more transcripts); c.2039C>G, p.Pro680Arg (NM_001395691.1); c.923C>G, p.Pro308Arg (NM_001395697.1); short protein forms P734R, P775R, P308R, P680R, P869R.
Identifiers: ClinVar variation 1793727 (VCV001793727.2), dbSNP rs2140024029, ClinGen allele CA390881381.